The following is an entry in ClinVar:

NM_001329943.3(KIAA0586):c.1656+1G>A

Gene: KIAA0586 (KIAA0586; plus strand). Cytogenetic location: 14q23.1.
Variant type: single nucleotide variant.
Coding change: c.1656+1G>A on transcript NM_001329943.3 (MANE Select); the canonical splice donor site of the intron after coding-DNA position 1656, G replaced by A.
Molecular consequence: splice donor variant.
Genome position (GRCh38, 1-based): chr14:58,458,546, G>A. VCF-style: chr14-58458546-G-A. GRCh37 (hg19) VCF-style: chr14-58925264-G-A.
Other names: c.1815+1G>A (NM_001244189.2); c.1611+1G>A (NM_001244190.2); c.1524+1G>A (NM_001244192.2); c.1401+1G>A (NM_001244191.2, NM_001364701.2, NM_001329945.2 and 1 more transcripts); c.1656+1G>A (NM_001329944.2, NM_001329946.2, NM_001329947.2 and 1 more transcripts); c.1236+1G>A (NM_001244193.2).
Identifiers: ClinVar variation 3752409 (VCV003752409.2).

ClinVar aggregate classification (germline): Likely pathogenic (1 of 4 stars; one submission).

Conditions:
Short-rib thoracic dysplasia 14 with polydactyly (SRTD14). Identifiers: Orphanet 397715, MedGen C4225286, MONDO:0014688, OMIM 616546.
Joubert syndrome 23 (JBTS23). Identifiers: Orphanet 475, MedGen C4084822, MONDO:0014664, OMIM 616490.

Submission:

Labcorp Genetics (formerly Invitae), Labcorp
Classification: Likely pathogenic for Joubert syndrome 23; Short-rib thoracic dysplasia 14 with polydactyly. Last evaluated: 2024-04-09. Review status: criteria provided, single submitter. Criteria: Invitae Variant Classification Sherloc (09022015). Collection method: clinical testing. Allele origin: germline.
Comment: This sequence change affects a donor splice site in intron 14 of the KIAA0586 gene. It is expected to disrupt RNA splicing. Variants that disrupt the donor or acceptor splice site typically lead to a loss of protein function (PMID: 16199547), and loss-of-function variants in KIAA0586 are known to be pathogenic (PMID: 26096313, 26166481, 26386044). This variant is not present in population databases (gnomAD no frequency). This variant has not been reported in the literature in individuals affected with KIAA0586-related conditions. Algorithms developed to predict the effect of sequence changes on RNA splicing suggest that this variant may disrupt the consensus splice site. In summary, the currently available evidence indicates that the variant is pathogenic, but additional data are needed to prove that conclusively. Therefore, this variant has been classified as Likely Pathogenic.

Literature cited by the submitters: PubMed 16199547; PubMed 26096313; PubMed 26166481; PubMed 26386044.